The following is an entry in ClinVar:

ClinVar aggregate classification (germline): Conflicting classifications of pathogenicity. Review status: criteria provided, conflicting classifications (1 of 4 stars). 4 submissions from 4 submitters: Uncertain significance (1); Likely benign (3). Last evaluated 2026-05-01.

Conditions:
MYO5B-related disorder. Also called: MYO5B-related condition.
Congenital microvillous atrophy (DIAR2). Also called: MICROVILLUS ATROPHY, CONGENITAL; Microvillus inclusion disease; Diarrhea 2 with microvillus atrophy, with or without cholestasis; CONGENITAL FAMILIAL PROTRACTED DIARRHEA WITH ENTEROCYTE BRUSH-BORDER ABNORMALITIES; DAVIDSON DISEASE. Identifiers: Orphanet 2290, MedGen C0341306, MONDO:0009635, OMIM 251850.

Allele frequency attached by ClinVar (database versions not stated): gnomAD 0.00001; gnomAD exomes 0.00001 and 0.00002; ExAC 0.00002; TOPMed 0.00003.
gnomAD v4.1: 28 of 1,614,006 alleles (0.0017%); highest among the groups gnomAD compares: Middle Eastern, 0.049%; no homozygotes.

Submissions (4):

CeGaT Center for Human Genetics Tuebingen
Classification: Likely benign. Last evaluated: 2026-05-01. Review status: criteria provided, single submitter. Criteria: CeGaT Center For Human Genetics Tuebingen Variant Classification Criteria Version 2. Collection method: clinical testing. Allele origin: germline. Affected: yes. Observed: 1 variant allele.
Comment: MYO5B: BP4, BP7

Labcorp Genetics (formerly Invitae), Labcorp
Classification: Likely benign. Last evaluated: 2025-10-21. Review status: criteria provided, single submitter. Criteria: Invitae Variant Classification Sherloc (09022015). Collection method: clinical testing. Allele origin: germline.

PreventionGenetics, part of Exact Sciences
Classification: Likely benign for MYO5B-related condition. Last evaluated: 2025-01-09. Review status: criteria provided, single submitter. Criteria: ACMG Guidelines, 2015. Collection method: clinical testing. Allele origin: germline.
Comment: This variant is classified as likely benign based on ACMG/AMP sequence variant interpretation guidelines (Richards et al. 2015 PMID: 25741868, with internal and published modifications).

Illumina Laboratory Services, Illumina
Classification: Uncertain significance for Congenital microvillous atrophy. Last evaluated: 2018-01-13. Review status: criteria provided, single submitter. Criteria: ICSL Variant Classification Criteria 13 December 2019. Collection method: clinical testing. Allele origin: germline.

NM_001080467.3(MYO5B):c.648C>T (p.Asn216=)

Gene: MYO5B (myosin VB; minus strand). Cytogenetic location: 18q21.1.
Variant type: single nucleotide variant.
Coding change: c.648C>T on transcript NM_001080467.3 (MANE Select); coding-DNA position 648, C replaced by T.
Protein change: p.Asn216=; no amino-acid change (asparagine 216 retained).
Molecular consequence: synonymous variant.
Genome position (GRCh38, 1-based): chr18:49,992,396, G>A on the plus strand (C>T on the coding strand, the complement: MYO5B is on the minus strand). VCF-style: chr18-49992396-G-A. GRCh37 (hg19) VCF-style: chr18-47518766-G-A.
Identifiers: ClinVar variation 889239 (VCV000889239.14), dbSNP rs779466520, ClinGen allele CA8961822.